The following is an entry in ClinVar:

ClinVar aggregate classification (germline): Pathogenic (1 of 4 stars; one submission).

Conditions:
Progressive sclerosing poliodystrophy (MTDPS4A). Also called: NEURONAL DEGENERATION OF CHILDHOOD WITH LIVER DISEASE, PROGRESSIVE; Mitochondrial DNA depletion syndrome 4A (Alpers type); Alpers-Huttenlocher Syndrome (AHS); ALPERS PROGRESSIVE INFANTILE POLIODYSTROPHY; Alpers Syndrome; ALPERS DIFFUSE DEGENERATION OF CEREBRAL GRAY MATTER WITH HEPATIC CIRRHOSIS. Identifiers: Orphanet 726, MedGen C0205710, MONDO:0008758, OMIM 203700.

Submission:

Labcorp Genetics (formerly Invitae), Labcorp
Classification: Pathogenic for Progressive sclerosing poliodystrophy. Last evaluated: 2020-08-06. Review status: criteria provided, single submitter. Criteria: Invitae Variant Classification Sherloc (09022015). Collection method: clinical testing. Allele origin: germline.
Comment: For these reasons, this variant has been classified as Pathogenic. Loss-of-function variants in POLG are known to be pathogenic (PMID: 18546365). This variant has not been reported in the literature in individuals with POLG-related conditions. This variant is not present in population databases (ExAC no frequency). This sequence change creates a premature translational stop signal (p.Met669Cysfs*23) in the POLG gene. It is expected to result in an absent or disrupted protein product.

Literature cited by the submitters: PubMed 18546365.

NM_002693.3(POLG):c.2004del (p.Met669fs)

Gene: POLG (DNA polymerase gamma, catalytic subunit; minus strand). Cytogenetic location: 15q26.1.
Variant type: Deletion.
Coding change: c.2004del on transcript NM_002693.3 (MANE Select); coding-DNA position 2004, one base deleted (G; older notation c.2004delG).
Protein change: p.Met669fs; shifts the reading frame from methionine 669.
Molecular consequence: frameshift variant.
Genome position (GRCh38, 1-based): chr15:89,324,173, C deleted on the plus strand (G on the coding strand, the reverse complement: POLG is on the minus strand). VCF-style (leftmost placement, unchanged base first): chr15-89324172-TC-T. GRCh37 (hg19) VCF-style: chr15-89867403-TC-T.
Other names: c.2004del, p.Met669fs (NM_001126131.2); short protein forms M669fs.
Identifiers: ClinVar variation 1073559 (VCV001073559.7), dbSNP rs2152063421, ClinGen allele CA2499223137.